The following is an entry in ClinVar:

NM_014915.3(ANKRD26):c.761T>G (p.Val254Gly)

Gene: ANKRD26 (ankyrin repeat domain 26; minus strand). Cytogenetic location: 10p12.1.
Variant type: single nucleotide variant.
Coding change: c.761T>G on transcript NM_014915.3 (MANE Select); coding-DNA position 761, T replaced by G.
Protein change: p.Val254Gly; replaces valine 254 with glycine.
Molecular consequence: missense variant.
Genome position (GRCh38, 1-based): chr10:27,079,141, A>C on the plus strand (T>G on the coding strand, the complement: ANKRD26 is on the minus strand). VCF-style: chr10-27079141-A-C. GRCh37 (hg19) VCF-style: chr10-27368070-A-C.
Other names: c.761T>G, p.Val254Gly (NM_001256053.2); short protein forms V254G.
Identifiers: ClinVar variation 5023549 (VCV005023549.1).

ClinVar aggregate classification (germline): Uncertain significance (1 of 4 stars; one submission).

Conditions:
Inborn genetic diseases. Identifiers: MedGen C0950123, MeSH D030342.

Submission:

Ambry Genetics
Classification: Uncertain significance for Inborn genetic diseases. Last evaluated: 2026-08-16. Review status: criteria provided, single submitter. Criteria: Ambry Variant Classification Scheme 2023. Collection method: clinical testing. Allele origin: germline.
Comment: The p.V254G variant (also known as c.761T>G), located in coding exon 7 of the ANKRD26 gene, results from a T to G substitution at nucleotide position 761. The valine at codon 254 is replaced by glycine, an amino acid with dissimilar properties. This amino acid position is conserved. In addition, this alteration is predicted to be tolerated by in silico analysis. Based on the available evidence, the clinical significance of this variant remains unclear.